The following is an entry in ClinVar:

ClinVar aggregate classification (germline): Uncertain significance (1 of 4 stars; one submission).

Conditions:
Pityriasis rubra pilaris (PRP). Also called: Pityriasis rubra pilaris--familial type. Identifiers: Orphanet 2897, MedGen C0032027, MONDO:0100017, OMIM 173200, MONDO:0008251.
Psoriasis 2. Identifiers: MedGen C1864497, MONDO:0011269, OMIM 602723.

Submission:

Labcorp Genetics (formerly Invitae), Labcorp
Classification: Uncertain significance for Pityriasis rubra pilaris; Psoriasis 2. Last evaluated: 2024-11-12. Review status: criteria provided, single submitter. Criteria: Invitae Variant Classification Sherloc (09022015). Collection method: clinical testing. Allele origin: germline.
Comment: This sequence change replaces histidine, which is basic and polar, with leucine, which is neutral and non-polar, at codon 822 of the CARD14 protein (p.His822Leu). This variant is not present in population databases (gnomAD no frequency). This variant has not been reported in the literature in individuals affected with CARD14-related conditions. Invitae Evidence Modeling of protein sequence and biophysical properties (such as structural, functional, and spatial information, amino acid conservation, physicochemical variation, residue mobility, and thermodynamic stability) indicates that this missense variant is not expected to disrupt CARD14 protein function with a negative predictive value of 95%. In summary, the available evidence is currently insufficient to determine the role of this variant in disease. Therefore, it has been classified as a Variant of Uncertain Significance.

NM_001366385.1(CARD14):c.2465A>T (p.His822Leu)

Genes: SGSH (N-sulfoglucosamine sulfohydrolase; minus strand), CARD14 (caspase recruitment domain family member 14; plus strand), LOC126862662 (MED14-independent group 3 enhancer GRCh37_chr17:78178385-78179584; plus strand). Cytogenetic location: 17q25.3.
Variant type: single nucleotide variant.
Coding change: c.2465A>T on transcript NM_001366385.1 (MANE Select); coding-DNA position 2465, A replaced by T.
Protein change: p.His822Leu; replaces histidine 822 with leucine.
Molecular consequence: missense variant. On other transcripts: non-coding transcript variant (1).
Genome position (GRCh38, 1-based): chr17:80,205,101, A>T. VCF-style: chr17-80205101-A-T. GRCh37 (hg19) VCF-style: chr17-78178900-A-T.
Other names: c.2465A>T, p.His822Leu (NM_024110.4); short protein forms H822L.
Identifiers: ClinVar variation 3757957 (VCV003757957.2).